The following is an entry in ClinVar:

NM_032119.4(ADGRV1):c.5707T>C (p.Trp1903Arg)

Gene: ADGRV1 (adhesion G protein-coupled receptor V1; plus strand). Cytogenetic location: 5q14.3.
Variant type: single nucleotide variant.
Coding change: c.5707T>C on transcript NM_032119.4 (MANE Select); coding-DNA position 5707, T replaced by C.
Protein change: p.Trp1903Arg; replaces tryptophan 1903 with arginine.
Molecular consequence: missense variant. On other transcripts: non-coding transcript variant (1).
Genome position (GRCh38, 1-based): chr5:90,683,628, T>C. VCF-style: chr5-90683628-T-C. GRCh37 (hg19) VCF-style: chr5-89979445-T-C.
Other names: short protein forms W1903R.
Identifiers: ClinVar variation 1997901 (VCV001997901.4), dbSNP rs1554081484, ClinGen allele CA360413207.

ClinVar aggregate classification (germline): Uncertain significance (1 of 4 stars; one submission).

Submission:

Labcorp Genetics (formerly Invitae), Labcorp
Classification: Uncertain significance. Last evaluated: 2023-07-17. Review status: criteria provided, single submitter. Criteria: Invitae Variant Classification Sherloc (09022015). Collection method: clinical testing. Allele origin: germline.
Comment: This sequence change replaces tryptophan, which is neutral and slightly polar, with arginine, which is basic and polar, at codon 1903 of the ADGRV1 protein (p.Trp1903Arg). This variant is not present in population databases (gnomAD no frequency). In summary, the available evidence is currently insufficient to determine the role of this variant in disease. Therefore, it has been classified as a Variant of Uncertain Significance. Advanced modeling of protein sequence and biophysical properties (such as structural, functional, and spatial information, amino acid conservation, physicochemical variation, residue mobility, and thermodynamic stability) has been performed at Invitae for this missense variant, however the output from this modeling did not meet the statistical confidence thresholds required to predict the impact of this variant on ADGRV1 protein function. ClinVar contains an entry for this variant (Variation ID: 1997901). This missense change has been observed in individual(s) with clinical features of ADGRV1-related conditions (Invitae). In at least one individual the data is consistent with being in trans (on the opposite chromosome) from a pathogenic variant.